The following is an entry in ClinVar:

NM_014000.3(VCL):c.2567A>G (p.Asp856Gly)

Gene: VCL (vinculin; plus strand). Cytogenetic location: 10q22.2.
Variant type: single nucleotide variant.
Coding change: c.2567A>G on transcript NM_014000.3 (MANE Select); coding-DNA position 2567, A replaced by G.
Protein change: p.Asp856Gly; replaces aspartic acid 856 with glycine.
Molecular consequence: missense variant.
Genome position (GRCh38, 1-based): chr10:74,108,978, A>G. VCF-style: chr10-74108978-A-G. GRCh37 (hg19) VCF-style: chr10-75868736-A-G.
Other names: c.2567A>G, p.Asp856Gly (NM_003373.4); short protein forms D856G.
Identifiers: ClinVar variation 2707378 (VCV002707378.3), dbSNP rs2549234255, ClinGen allele CA377264042.

ClinVar aggregate classification (germline): Uncertain significance (1 of 4 stars; one submission).

Conditions:
Dilated cardiomyopathy 1W (CMD1W). Identifiers: Orphanet 154, MedGen C1969639, MONDO:0012667, OMIM 611407.

Allele frequency attached by ClinVar (database versions not stated): gnomAD exomes below 0.00001.
gnomAD v4.1: 1 of 1,614,088 alleles (0.000062%); highest among the groups gnomAD compares: Non-Finnish European, 0.000085%; no homozygotes.

Submission:

Labcorp Genetics (formerly Invitae), Labcorp
Classification: Uncertain significance for Dilated cardiomyopathy 1W. Last evaluated: 2024-01-04. Review status: criteria provided, single submitter. Criteria: Invitae Variant Classification Sherloc (09022015). Collection method: clinical testing. Allele origin: germline.
Comment: This sequence change replaces aspartic acid, which is acidic and polar, with glycine, which is neutral and non-polar, at codon 856 of the VCL protein (p.Asp856Gly). This variant is not present in population databases (gnomAD no frequency). This variant has not been reported in the literature in individuals affected with VCL-related conditions. An algorithm developed to predict the effect of missense changes on protein structure and function (PolyPhen-2) suggests that this variant is likely to be disruptive. In summary, the available evidence is currently insufficient to determine the role of this variant in disease. Therefore, it has been classified as a Variant of Uncertain Significance.